The following is an entry in ClinVar:

NM_000020.3(ACVRL1):c.1435C>T (p.Arg479Ter)

Gene: ACVRL1 (activin A receptor like type 1; plus strand). Cytogenetic location: 12q13.13.
Variant type: single nucleotide variant.
Coding change: c.1435C>T on transcript NM_000020.3 (MANE Select); coding-DNA position 1435, C replaced by T.
Protein change: p.Arg479Ter; replaces arginine 479 with a stop codon.
Molecular consequence: nonsense.
Genome position (GRCh38, 1-based): chr12:51,920,816, C>T. VCF-style: chr12-51920816-C-T. GRCh37 (hg19) VCF-style: chr12-52314600-C-T.
Other names: c.1435C>T, p.Arg479Ter (NM_001077401.2); short protein forms R479*.
Identifiers: ClinVar variation 372722 (VCV000372722.37), dbSNP rs1057517944, ClinGen allele CA16042853.

ClinVar aggregate classification (germline): Pathogenic. Review status: criteria provided, multiple submitters, no conflicts (2 of 4 stars). 13 submissions from 13 submitters: Pathogenic (11). 2 of the submissions do not count toward it. Last evaluated 2025-12-28.

Conditions:
ACVRL1-related disorder. Also called: ACVRL1-related condition; ACVRL1-related disorders.
Cardiovascular phenotype. Identifiers: MedGen CN230736.
Hereditary hemorrhagic telangiectasia (HHT). Also called: ORW DISEASE; Osler Weber Rendu syndrome; OSLER-RENDU-WEBER DISEASE; Osler hemorrhagic telangiectasia syndrome. Identifiers: Orphanet 774, MedGen C0039445, MONDO:0019180. Disease mechanism: loss of function.
Telangiectasia, hereditary hemorrhagic, type 2 (HHT2). Also called: ACVRL1-Related Hereditary Hemorrhagic Telangiectasia; Telangiectasia, hereditary hemorrhagic, type II. Identifiers: Orphanet 774, MedGen C1838163, MONDO:0010880, OMIM 600376. Disease mechanism: loss of function.
Pulmonary arterial hypertension related to hereditary hemorrhagic telangiectasia. Also called: PULMONARY ARTERIAL HYPERTENSION, HEREDITARY HEMORRHAGIC TELANGIECTASIA-RELATED. Identifiers: MedGen C1832529.

Allele frequency attached by ClinVar (database versions not stated): gnomAD exomes below 0.00001.
gnomAD v4.1: 3 of 1,613,946 alleles (0.00019%); highest among the groups gnomAD compares: Admixed American, 0.0017%; no homozygotes.

Submissions 1 to 7 of 13:

Labcorp Genetics (formerly Invitae), Labcorp
Classification: Pathogenic for Telangiectasia, hereditary hemorrhagic, type 2. Last evaluated: 2025-12-28. Review status: criteria provided, single submitter. Criteria: Invitae Variant Classification Sherloc (09022015). Collection method: clinical testing. Allele origin: germline.
Comment: This sequence change creates a premature translational stop signal (p.Arg479*) in the ACVRL1 gene. While this is not anticipated to result in nonsense mediated decay, it is expected to disrupt the last 25 amino acid(s) of the ACVRL1 protein. This variant is present in population databases (no rsID available, gnomAD 0.003%). This premature translational stop signal has been observed in individuals with hereditary hemorrhagic telangiectasia (HHT) (PMID: 15024723, 15065824, 15517393, 15712271, 16429404, 16540754, 18673552, 21158752, 23722869). ClinVar contains an entry for this variant (Variation ID: 372722). Algorithms developed to predict the effect of sequence changes on RNA splicing suggest that this variant may disrupt the consensus splice site. This variant disrupts a region of the ACVRL1 protein in which other variant(s) (Arg479Gln) have been determined to be pathogenic (PMID: 16470787, 16705692, 20501893, 21158752). This suggests that this is a clinically significant region of the protein, and that variants that disrupt it are likely to be disease-causing. For these reasons, this variant has been classified as Pathogenic.

Ambry Genetics
Classification: Pathogenic for Cardiovascular phenotype. Last evaluated: 2024-07-05. Review status: criteria provided, single submitter. Criteria: Ambry Variant Classification Scheme 2023. Collection method: clinical testing. Allele origin: germline.
Comment: The p.R479* pathogenic mutation (also known as c.1435C>T) is located in coding exon 9 of the ACVRL1 gene. This changes the amino acid from an arginine to a stop codon within coding exon 9. This alteration occurs at the 3' terminus of theACVRL1 gene, is not expected to trigger nonsense-mediated mRNA decay, and only impacts the last 5% of the protein. However, premature stop codons are typically deleterious in nature and the impacted region is critical for protein function (Ambry internal data). This mutation has been detected in multiple individuals from hereditary hemorrhagic telangiectasia (HHT) cohorts (Lesca et al. Hum Mutat. 2004;23:289-299; Gedge F et al. J Mol Diagn. 2007 Apr;9(2):258-65; Canzonieri C et al. Genet Med. 2014 Jan;16(1):3-10; Komiyama M et al. J Hum Genet. 2014 Jan;59(1):37-41). Based on the supporting evidence, this variant is interpreted as a disease-causing mutation.

ARUP Laboratories, Molecular Genetics and Genomics, ARUP Laboratories
Classification: Pathogenic for Telangiectasia, hereditary hemorrhagic, type 2. Last evaluated: 2023-09-29. Review status: criteria provided, single submitter. Criteria: ARUP Molecular Germline Variant Investigation Process 2024. Collection method: clinical testing. Allele origin: germline.
Comment: The ACVRL1 c.1435C>T; p.Arg479Ter variant (rs1057517944) is reported in the literature in multiple individuals affected with hereditary hemorrhagic telangiectasia (HHT; Abdalla 2004 and 2005, Canzonieri 2014, Chen 2013, Fontalba 2008, Gedge 2007, Komiyama 2014, Lenato 2006, Lesca 2004, Letterboer 2005, Olivieri 2006, Yan 2006). This variant is reported in ClinVar (Variation ID: 372722), and is only observed on one allele in the Genome Aggregation Database, indicating it is not a common polymorphism. This variant results in a premature termination codon in the last exon of the ACVRL1 gene. While this may not lead to nonsense-mediated decay, it is expected to create a truncated protein, and functional analyses of the variant protein demonstrate a loss of ligand-induced receptor signaling and down-regulation of the protein (Garamszeg 2001). Additionally, another downstream truncating variant, c.1468C>T; p.Gln490Ter, has been reported in multiple patients with HHT (Girerd 2010, Machado 2015, Trembath 2001) and is considered pathogenic. Based on available information, the c.1435C>T; p.Arg479Ter variant is considered to be pathogenic. REFERENCES Abdalla SA et al. Primary pulmonary hypertension in families with hereditary haemorrhagic telangiectasia. Eur Respir J. 2004 Mar;23(3):373-7. PMID: 15065824. Abdalla SA et al. Novel mutations and polymorphisms in genes causing hereditary hemorrhagic telangiectasia. Hum Mutat. 2005 Mar;25(3):320-1. PMID: 15712271. Canzonieri C et al. Endoscopic evaluation of gastrointestinal tract in patients with hereditary hemorrhagic telangiectasia and correlation with their genotypes. Genet Med. 2014 Jan;16(1):3-10. PMID: 23722869. Chen YJ et al. Clinical and genetic characteristics of Chinese patients with hereditary haemorrhagic telangiectasia-associated pulmonary hypertension. Eur J Clin Invest. 2013 Oct;43(10):1016-24. PMID: 23919827. Fontalba A et al. Mutation study of Spanish patients with hereditary hemorrhagic telangiectasia. BMC Med Genet. 2008 Aug 1;9:75. PMID: 18673552. Garamszegi N et al. Transforming growth factor beta receptor signaling and endocytosis are linked through a COOH terminal activation motif in the type I receptor. Mol Biol Cell. 2001 Sep;12(9):2881-93. PMID: 11553725. Gedge F et al. Clinical and analytical sensitivities in hereditary hemorrhagic telangiectasia testing and a report of de novo mutations. J Mol Diagn. 2007 Apr;9(2):258-65. PMID: 17384219. Girerd B et al. Clinical outcomes of pulmonary arterial hypertension in patients carrying an ACVRL1 (ALK1) mutation. Am J Respir Crit Care Med. 2010 Apr 15;181(8):851-61. PMID: 20056902. Komiyama M et al. Hereditary hemorrhagic telangiectasia in Japanese patients. J Hum Genet. 2014 Jan;59(1):37-41. PMID: 24196379. Lenato GM et al. DHPLC-based mutation analysis of ENG and ALK-1 genes in HHT Italian population. Hum Mutat. 2006 Feb;27(2):213-4. PMID: 16429404. Lesca G et al. Molecular screening of ALK1/ACVRL1 and ENG genes in hereditary hemorrhagic telangiectasia in France. Hum Mutat. 2004 Apr;23(4):289-99. PMID: 15024723. Letterboer TG et al. Hereditary hemorrhagic telangiectasia: ENG and ALK-1 mutations in Dutch patients. Hum Genet. 2005 Jan;116(1-2):8-16. PMID: 15517393. Machado RD et al. Pulmonary Arterial Hypertension: A Current Perspective on Established and Emerging Molecular Genetic Defects. Hum Mutat. 2015 Dec;36(12):1113-27. PMID: 26387786. Olivieri C et al. Echocardiographic screening discloses increased values of pulmonary artery systolic pressure in 9 of 68 unselected patients affected with hereditary hemorrhagic telangiectasia. Genet Med. 2006 Mar;8(3):183-90. PMID: 16540754. Trembath RC et al. Clinical and molecular genetic features of pulmonary hypertension in patients with hereditary hemorrhagic telangiectasia. N Engl J Med. 2001 Aug 2;345(5):325-34. PMID: 11484689. Yan ZM et al. A novel mutation in ALK-1 causes hereditary hemorrhagic telangiectasia type 2. J Dent Res. 2006 Aug;85(8):705-10. PMID: 16861286.

Molecular Genetics, Royal Melbourne Hospital
Classification: Pathogenic for Hereditary hemorrhagic telangiectasia. Last evaluated: 2023-07-07. Review status: criteria provided, single submitter. Criteria: ACMG Guidelines, 2015. Collection method: clinical testing. Allele origin: germline. Inheritance: Autosomal dominant inheritance. Affected: yes.
Comment: This sequence change in ACVRL1 is a nonsense variant predicted to cause a premature stop codon, p.(Arg479*), in biologically relevant exon 10/10, that is predicted to escape nonsense-mediated decay and remove <10% of the protein, however, it is a truncation of a functionally important region (removes 25 amino acids) in a gene where loss-of-function is an established disease mechanism. The highest population minor allele frequency in the population database gnomAD v2.1 is 0.003% (1/34,588 alleles) in the Latino/Admixed American population. This variant has been reported in multiple individuals with a clinical diagnosis of hereditary haemorrhagic telangiectasia, and segregates with disease in multiple families (PMID: 15024723, 16540754, 15065824, 16861286). Based on the classification scheme RMH Modified ACMG/AMP Guidelines v1.6.1, this variant is classified as PATHOGENIC. Following criteria are met: PVS1_Strong, PM2_Supporting, PP1_Strong, PS4

Clinical Genetics Laboratory, Skane University Hospital Lund
Classification: Pathogenic. Last evaluated: 2022-10-05. Review status: criteria provided, single submitter. Criteria: ACMG Guidelines, 2015. Collection method: clinical testing. Allele origin: germline. Affected: yes.

Fulgent Genetics
Classification: Pathogenic for Telangiectasia, hereditary hemorrhagic, type 2. Last evaluated: 2022-05-06. Review status: criteria provided, single submitter. Criteria: ACMG Guidelines, 2015. Collection method: clinical testing. Allele origin: unknown.

Mayo Clinic Laboratories, Mayo Clinic
Classification: Pathogenic. Last evaluated: 2022-03-30. Review status: criteria provided, single submitter. Criteria: ACMG Guidelines, 2015. Collection method: clinical testing. Allele origin: germline. Observed: 2 variant alleles.
Comment: PP1_strong, PM2_supporting, PS4, PVS1_moderate